The following is an entry in ClinVar:

ClinVar aggregate classification (germline): Likely pathogenic (1 of 4 stars; one submission).

Conditions:
Myoclonic dystonia 26. Identifiers: MedGen C4225341, MONDO:0014620, OMIM 616398.

Submission:

Concord Molecular Medicine Laboratory, Concord Repatriation General Hospital
Classification: Likely pathogenic for Myoclonic dystonia 26. Last evaluated: 2025-06-23. Review status: criteria provided, single submitter. Criteria: ACMG Guidelines, 2015. Collection method: clinical testing. Allele origin: germline. Inheritance: Autosomal dominant inheritance. Affected: yes.
Comment: This variant is predicted to affect the canonical acceptor splice site and cause skipping of the in-frame exon 5. This variant is absent from control population database (gnomAD v4.1.0). Two other variants affecting the same canonical acceptor splice site, c.487-1G>C and c.487-2A>T, have been described to cause myoclonic dystonia. The current evidence classifies this variant as a likely pathogenic variant (ACMG criteria: PVS1_strong, PS1__supporting, PM2_supporting).

Literature cited by the submitters: PubMed 30642807.

NM_001282684.2(KCTD17):c.487-1G>T

Gene: KCTD17 (potassium channel tetramerization domain containing 17; plus strand). Cytogenetic location: 22q12.3.
Variant type: single nucleotide variant.
Coding change: c.487-1G>T on transcript NM_001282684.2 (MANE Select); the canonical splice acceptor site of the intron before coding-DNA position 487, G replaced by T.
Molecular consequence: splice acceptor variant.
Genome position (GRCh38, 1-based): chr22:37,059,312, G>T. VCF-style: chr22-37059312-G-T. GRCh37 (hg19) VCF-style: chr22-37455352-G-T.
Other names: c.487-1G>T (NM_024681.4, NM_001282685.2, NM_001282686.2).
Identifiers: ClinVar variation 3909974 (VCV003909974.1).
Genomic context (GRCh38, chr22:37,059,312, plus strand): 5'-ATCCTGCCCCACGGCCCCCAACACCAACCTGCATTTTTCTCCCCATGCTCCGCCCCTCTA[G>T]CTGGTGAACATCGGCTCCTCCTACAACTACGGCAGCGAGGACCAGGCAGAGTTCCTGTGT-3'